The following is an entry in ClinVar:

NM_001009944.3(PKD1):c.1617G>C (p.Gln539His)

Gene: PKD1 (polycystin 1, transient receptor potential channel interacting; minus strand). Cytogenetic location: 16p13.3.
Variant type: single nucleotide variant.
Coding change: c.1617G>C on transcript NM_001009944.3 (MANE Select); coding-DNA position 1617, G replaced by C.
Protein change: p.Gln539His; replaces glutamine 539 with histidine.
Molecular consequence: missense variant.
Genome position (GRCh38, 1-based): chr16:2,116,634, C>G on the plus strand (G>C on the coding strand, the complement: PKD1 is on the minus strand). VCF-style: chr16-2116634-C-G. GRCh37 (hg19) VCF-style: chr16-2166635-C-G.
Other names: c.1617G>C, p.Gln539His (NM_000296.4); short protein forms Q539H.
Identifiers: ClinVar variation 618803 (VCV000618803.12), dbSNP rs1382845038, ClinGen allele CA394391611.

ClinVar aggregate classification (germline): Uncertain significance. Review status: criteria provided, multiple submitters, no conflicts (2 of 4 stars). 5 submissions from 5 submitters: Uncertain significance (5). Last evaluated 2023-11-16.

Conditions:
Polycystic kidney disease, adult type (PKD1). Also called: Polycystic Kidney Disease 1, Autosomal Dominant; Polycystic kidney disease 1; Polycystic kidney disease 1, severe; POLYCYSTIC KIDNEY DISEASE 1 WITH OR WITHOUT POLYCYSTIC LIVER DISEASE; Polycystic Kidney, Autosomal Dominant; POLYCYSTIC KIDNEY DISEASE, ADULT, TYPE I. Identifiers: MedGen C3149841, MONDO:0008263, OMIM 173900.
Autosomal dominant polycystic kidney disease. Identifiers: Orphanet 730, MedGen C0085413, MONDO:0004691.

Allele frequency attached by ClinVar (database versions not stated): gnomAD exomes below 0.00001.
gnomAD v4.1: 1 of 1,528,666 alleles (0.000065%); highest among the groups gnomAD compares: Non-Finnish European, 0.000088%; no homozygotes.

Submissions (5):

GeneDx
Classification: Uncertain significance. Last evaluated: 2023-11-16. Review status: criteria provided, single submitter. Criteria: GeneDx Variant Classification Process June 2021. Collection method: clinical testing. Allele origin: germline. Affected: yes.
Comment: Reported with additional PKD1 variants in patient with in published literature; the authors propose all three PKD1 variants are on the same allele (in cis) (Xue et al., 2022); Not observed at significant frequency in large population cohorts (gnomAD); In silico analysis supports that this missense variant does not alter protein structure/function; This variant is associated with the following publications: (PMID: Xue2022[abstract])

Fulgent Genetics
Classification: Uncertain significance for Polycystic kidney disease, adult type. Last evaluated: 2021-08-23. Review status: criteria provided, single submitter. Criteria: ACMG Guidelines, 2015. Collection method: clinical testing. Allele origin: unknown.

Athena Diagnostics
Classification: Uncertain significance. Last evaluated: 2020-03-03. Review status: criteria provided, single submitter. Criteria: Athena Diagnostics Criteria. Collection method: clinical testing. Allele origin: unknown.

Molecular Genetics of Inherited Kidney Disorders Laboratory, Garvan Institute of Medical Research
Classification: Uncertain significance for Autosomal dominant polycystic kidney disease. Last evaluated: 2019-01-01. Review status: criteria provided, single submitter. Criteria: ACMG Guidelines, 2015. Collection method: research. Allele origin: germline. Affected: yes.

ARUP Laboratories, Molecular Genetics and Genomics, ARUP Laboratories
Classification: Uncertain significance. Last evaluated: 2017-10-17. Review status: criteria provided, single submitter. Criteria: ARUP Molecular Germline Variant Investigation Process. Collection method: clinical testing. Allele origin: germline.